The following is an entry in ClinVar:

NM_000093.5(COL5A1):c.5250G>A (p.Val1750=)

Genes: COL5A1 (collagen type V alpha 1 chain; plus strand), LOC101448202 (uncharacterized LOC101448202; minus strand). Cytogenetic location: 9q34.3.
Variant type: single nucleotide variant.
Coding change: c.5250G>A on transcript NM_000093.5 (MANE Select); coding-DNA position 5250, G replaced by A.
Protein change: p.Val1750=; no amino-acid change (valine 1750 retained).
Molecular consequence: synonymous variant.
Genome position (GRCh38, 1-based): chr9:134,835,084, G>A. VCF-style: chr9-134835084-G-A. GRCh37 (hg19) VCF-style: chr9-137726930-G-A.
Other names: p.V1750V:GTG>GTA; p.Val1750=; c.5250G>A, p.Val1750= (NM_001278074.1).
Identifiers: ClinVar variation 136913 (VCV000136913.37), dbSNP rs200348547, ClinGen allele CA290317.

ClinVar aggregate classification (germline): Benign/Likely benign. Review status: criteria provided, multiple submitters, no conflicts (2 of 4 stars). 13 submissions from 12 submitters: Benign (4); Likely benign (8). 1 of the submissions does not count toward it. Last evaluated 2026-03-24.

Conditions:
COL5A1-related disorder. Also called: COL5A1-related condition.
Fibromuscular dysplasia, multifocal. Identifiers: MedGen C5543412, MONDO:0859151, OMIM 619329.
Ehlers-Danlos syndrome, classic type, 1 (EDSCL1). Also called: Ehlers-Danlos syndrome, type 1; Ehlers-Danlos Syndrome, Classic Type, COL5A1-Related; EDS I; EHLERS-DANLOS SYNDROME, GRAVIS TYPE; EHLERS-DANLOS SYNDROME, SEVERE CLASSIC TYPE. Identifiers: MedGen C0268335, MONDO:0019567, OMIM 130000.
Ehlers-Danlos syndrome (EDS). Identifiers: Orphanet 98249, MedGen C0013720, MONDO:0020066.
Familial thoracic aortic aneurysm and aortic dissection (TAAD). Also called: Thoracic aortic aneurysms and dissections. Identifiers: Orphanet 91387, MedGen C4707243, MONDO:0019625.

Allele frequency attached by ClinVar (database versions not stated): TOPMed 0.00006; gnomAD 0.00007 and 0.00008; gnomAD exomes 0.00007 and 0.00008; ExAC 0.00008; ESP Exome Variant Server 0.00008.
gnomAD v4.1: 125 of 1,613,522 alleles (0.0077%); highest among the groups gnomAD compares: Non-Finnish European, 0.01%; no homozygotes.

Submissions (13):

Women's Health and Genetics/Laboratory Corporation of America, LabCorp
Classification: Benign. Last evaluated: 2026-03-24. Review status: criteria provided, single submitter. Criteria: LabCorp Variant Classification Summary - May 2015. Collection method: clinical testing. Allele origin: germline.

Labcorp Genetics (formerly Invitae), Labcorp
Classification: Likely benign for Ehlers-Danlos syndrome, classic type, 1. Last evaluated: 2025-12-31. Review status: criteria provided, single submitter. Criteria: Invitae Variant Classification Sherloc (09022015). Collection method: clinical testing. Allele origin: germline.

CeGaT Center for Human Genetics Tuebingen
Classification: Likely benign. Last evaluated: 2025-11-01. Review status: criteria provided, single submitter. Criteria: CeGaT Center For Human Genetics Tuebingen Variant Classification Criteria Version 2. Collection method: clinical testing. Allele origin: germline. Affected: yes. Observed: 1 variant allele.
Comment: COL5A1: BP4, BP7

Mayo Clinic Laboratories, Mayo Clinic
Classification: Likely benign. Last evaluated: 2024-11-15. Review status: criteria provided, single submitter. Criteria: ACMG Guidelines, 2015. Collection method: clinical testing. Allele origin: germline. Observed: 2 variant alleles.
Comment: BS1, BP4, BP7

Blueprint Genetics
Classification: Likely benign. Last evaluated: 2024-10-07. Review status: criteria provided, single submitter. Criteria: ACMG Guidelines, 2015. Collection method: clinical testing. Allele origin: germline.

Genome-Nilou Lab
Classification: Benign for Ehlers-Danlos syndrome, classic type, 1. Last evaluated: 2022-03-15. Review status: criteria provided, single submitter. Criteria: ACMG Guidelines, 2015. Collection method: clinical testing. Allele origin: germline. Affected: no.

Genome-Nilou Lab
Classification: Benign for Fibromuscular dysplasia, multifocal. Last evaluated: 2022-03-15. Review status: criteria provided, single submitter. Criteria: ACMG Guidelines, 2015. Collection method: clinical testing. Allele origin: germline. Affected: no.

Genome Diagnostics Laboratory, The Hospital for Sick Children
Classification: Likely benign for Ehlers-Danlos syndrome. Last evaluated: 2021-05-08. Review status: criteria provided, single submitter. Criteria: ACMG Guidelines, 2015. Collection method: clinical testing. Allele origin: germline.

Ambry Genetics
Classification: Likely benign for Familial thoracic aortic aneurysm and aortic dissection. Last evaluated: 2018-04-06. Review status: criteria provided, single submitter. Criteria: Ambry Variant Classification Scheme 2023. Collection method: clinical testing. Allele origin: germline.

ARUP Laboratories, Molecular Genetics and Genomics, ARUP Laboratories
Classification: Likely benign. Last evaluated: 2017-11-27. Review status: criteria provided, single submitter. Criteria: ARUP Molecular Germline Variant Investigation Process. Collection method: clinical testing. Allele origin: germline.

GeneDx
Classification: Benign. Last evaluated: 2013-12-27. Review status: criteria provided, single submitter. Criteria: GeneDx Variant Classification (06012015). Collection method: clinical testing. Allele origin: germline. Affected: yes.
Comment: This variant is considered likely benign or benign based on one or more of the following criteria: it is a conservative change, it occurs at a poorly conserved position in the protein, it is predicted to be benign by multiple in silico algorithms, and/or has population frequency not consistent with disease.

Breakthrough Genomics
Classification: Likely benign. Review status: criteria provided, single submitter. Criteria: ACMG Guidelines, 2015. Collection method: not provided. Allele origin: germline. Inheritance: Autosomal dominant inheritance. Affected: yes.

PreventionGenetics, part of Exact Sciences
Classification: Likely benign for COL5A1-related condition. Last evaluated: 2019-05-07. Review status: no assertion criteria provided. Collection method: clinical testing. Allele origin: germline. Not counted in ClinVar's aggregate classification.
Comment: This variant is classified as likely benign based on ACMG/AMP sequence variant interpretation guidelines (Richards et al. 2015 PMID: 25741868, with internal and published modifications).